The following is an entry in ClinVar:

NM_002485.5(NBN):c.331G>C (p.Glu111Gln)

Gene: NBN (nibrin; minus strand). Cytogenetic location: 8q21.3.
Variant type: single nucleotide variant.
Coding change: c.331G>C on transcript NM_002485.5 (MANE Select); coding-DNA position 331, G replaced by C.
Protein change: p.Glu111Gln; replaces glutamic acid 111 with glutamine.
Molecular consequence: missense variant.
Genome position (GRCh38, 1-based): chr8:89,980,883, C>G on the plus strand (G>C on the coding strand, the complement: NBN is on the minus strand). VCF-style: chr8-89980883-C-G. GRCh37 (hg19) VCF-style: chr8-90993111-C-G.
Other names: c.85G>C, p.Glu29Gln (NM_001024688.3); short protein forms E111Q, E29Q.
Identifiers: ClinVar variation 2120145 (VCV002120145.2), dbSNP rs1306328242, ClinGen allele CA371662143.

ClinVar aggregate classification (germline): Uncertain significance. Review status: criteria provided, multiple submitters, no conflicts (2 of 4 stars). 2 submissions from 2 submitters: Uncertain significance (2). Last evaluated 2025-08-09.

Conditions:
Microcephaly, normal intelligence and immunodeficiency (NBS). Also called: Nijmegen breakage syndrome; Microcephaly with normal intelligence immunodeficiency and lymphoreticular malignancies; Nonsyndromal microcephaly autosomal recessive with normal intelligence; Seemanova syndrome 2; Immunodeficiency, microcephaly with normal intelligence; Ataxia telangiectasia variant V1. Identifiers: Orphanet 647, MedGen C0398791, MONDO:0009623, OMIM 251260.
Hereditary cancer-predisposing syndrome. Also called: Tumor predisposition; Hereditary Cancer Syndrome; Neoplastic Syndromes, Hereditary; Hereditary neoplastic syndrome. Identifiers: Orphanet 140162, MedGen C0027672, MeSH D009386, MONDO:0015356.

Submissions (2):

Ambry Genetics
Classification: Uncertain significance for Hereditary cancer-predisposing syndrome. Last evaluated: 2025-08-09. Review status: criteria provided, single submitter. Criteria: Ambry Variant Classification Scheme 2023. Collection method: clinical testing. Allele origin: germline.
Comment: The p.E111Q variant (also known as c.331G>C), located in coding exon 4 of the NBN gene, results from a G to C substitution at nucleotide position 331. The glutamic acid at codon 111 is replaced by glutamine, an amino acid with highly similar properties. This amino acid position is conserved. In addition, the in silico prediction for this alteration is inconclusive. Based on the available evidence, the clinical significance of this variant remains unclear.

Labcorp Genetics (formerly Invitae), Labcorp
Classification: Uncertain significance for Microcephaly, normal intelligence and immunodeficiency. Last evaluated: 2022-04-01. Review status: criteria provided, single submitter. Criteria: Invitae Variant Classification Sherloc (09022015). Collection method: clinical testing. Allele origin: germline.
Comment: This sequence change replaces glutamic acid, which is acidic and polar, with glutamine, which is neutral and polar, at codon 111 of the NBN protein (p.Glu111Gln). This variant is not present in population databases (gnomAD no frequency). This variant has not been reported in the literature in individuals affected with NBN-related conditions. Algorithms developed to predict the effect of missense changes on protein structure and function are either unavailable or do not agree on the potential impact of this missense change (SIFT: "Tolerated"; PolyPhen-2: "Possibly Damaging"; Align-GVGD: "Class C0"). In summary, the available evidence is currently insufficient to determine the role of this variant in disease. Therefore, it has been classified as a Variant of Uncertain Significance.